The following is an entry in ClinVar:

ClinVar aggregate classification (germline): Pathogenic/Likely pathogenic. Review status: criteria provided, multiple submitters, no conflicts (2 of 4 stars). 11 submissions from 11 submitters: Pathogenic (8); Likely pathogenic (1). 2 of the submissions do not count toward it. Last evaluated 2025-07-15.

Conditions:
SPG11-related disorder. Also called: SPG11-related condition.
Hereditary spastic paraplegia. Also called: Familial spastic paraparesis. Identifiers: Orphanet 685, MedGen C0037773, MONDO:0019064. Disease mechanism: loss of function.
Hereditary spastic paraplegia 11. Also called: SPASTIC PARAPLEGIA, AUTOSOMAL RECESSIVE, COMPLICATED, WITH THIN CORPUS CALLOSUM; SPASTIC PARAPLEGIA, AUTOSOMAL RECESSIVE, WITH MENTAL IMPAIRMENT AND THIN CORPUS CALLOSUM; Spastic Paraplegia 11; Spastic paraplegia, mental retardation and thin corpus callosum; Nakamura Osame syndrome; Autosomal recessive hereditary spastic paraplegia, mental impairment, and thin corpus callosum. Identifiers: Orphanet 2822, MedGen C1858479, MONDO:0011445, OMIM 604360.

Allele frequency attached by ClinVar (database versions not stated): gnomAD 0.00001; gnomAD exomes 0.00002 and 0.00003; ExAC 0.00003; TOPMed 0.00003.
gnomAD v4.1: 34 of 1,611,298 alleles (0.0021%); highest among the groups gnomAD compares: Non-Finnish European, 0.0026%; no homozygotes.

Submissions (11):

Mayo Clinic Laboratories, Mayo Clinic
Classification: Likely pathogenic. Last evaluated: 2025-07-15. Review status: criteria provided, single submitter. Criteria: ACMG Guidelines, 2015. Collection method: clinical testing. Allele origin: germline. Observed: 1 variant allele.
Comment: PM2_supporting, PM3_strong, PS4_moderate, PVS1_moderate

Labcorp Genetics (formerly Invitae), Labcorp
Classification: Pathogenic for Hereditary spastic paraplegia 11. Last evaluated: 2025-05-28. Review status: criteria provided, single submitter. Criteria: Invitae Variant Classification Sherloc (09022015). Collection method: clinical testing. Allele origin: germline.
Comment: This sequence change affects a donor splice site in intron 12 of the SPG11 gene. It is expected to disrupt RNA splicing. Variants that disrupt the donor or acceptor splice site typically lead to a loss of protein function (PMID: 16199547), and loss-of-function variants in SPG11 are known to be pathogenic (PMID: 19105190, 20110243, 22154821, 26556829). This variant is present in population databases (rs312262740, gnomAD 0.005%). Disruption of this splice site has been observed in individuals with autosomal recessive hereditary spastic paraplegia (PMID: 18079167, 18439221, 29732542). ClinVar contains an entry for this variant (Variation ID: 41288). Algorithms developed to predict the effect of sequence changes on RNA splicing suggest that this variant may disrupt the consensus splice site. For these reasons, this variant has been classified as Pathogenic.

GeneDx
Classification: Pathogenic. Last evaluated: 2024-06-10. Review status: criteria provided, single submitter. Criteria: GeneDx Variant Classification Process June 2021. Collection method: clinical testing. Allele origin: germline. Affected: yes.
Comment: Canonical splice site variant predicted to result in an in-frame loss of the adjacent exon in a gene for which loss of function is a known mechanism of disease; Not observed at significant frequency in large population cohorts (gnomAD); This variant is associated with the following publications: (PMID: 25525159, 18079167, 18439221, 29732542)

Blueprint Genetics
Classification: Pathogenic for SPG11-related disorders. Last evaluated: 2024-04-12. Review status: criteria provided, single submitter. Criteria: ACMG Guidelines, 2015. Collection method: clinical testing. Allele origin: germline. Affected: yes. Observed: 5 variant alleles.

Women's Health and Genetics/Laboratory Corporation of America, LabCorp
Classification: Pathogenic for Hereditary spastic paraplegia. Last evaluated: 2023-09-29. Review status: criteria provided, single submitter. Criteria: LabCorp Variant Classification Summary - May 2015. Collection method: clinical testing. Allele origin: germline.
Comment: Variant summary: SPG11 c.2316+1G>A is located in a canonical splice-site and is predicted to affect mRNA splicing resulting in a significantly altered protein due to either exon skipping, shortening, or inclusion of intronic material. Several computational tools predict a significant impact on normal splicing: three out of three predict the variant abolishes a 5' canonical splicing donor site. However, these predictions have yet to be confirmed by functional studies. The variant allele was found at a frequency of 2.8e-05 in 251058 control chromosomes. c.2316+1G>A has been reported in the literature in multiple homozygous and compound heterozygous individuals affected with Hereditary Spastic Paraplegia, Type 11 (e.g., Sjaastad_2018). These data indicate that the variant is very likely to be associated with disease. The following publication has been ascertained in the context of this evaluation (PMID: 29732542). Five submitters have cited clinical-significance assessments for this variant to ClinVar after 2014; all submitters classified the variant as pathogenic/likely pathogenic. Based on the evidence outlined above, the variant was classified as pathogenic.

Revvity Omics, Revvity
Classification: Pathogenic. Last evaluated: 2019-07-07. Review status: criteria provided, single submitter. Criteria: ACMG Guidelines, 2015. Collection method: clinical testing. Allele origin: germline.

Athena Diagnostics
Classification: Pathogenic. Last evaluated: 2017-09-18. Review status: criteria provided, single submitter. Criteria: Athena Diagnostics Criteria. Collection method: clinical testing. Allele origin: germline.

Genome Diagnostics Laboratory, The Hospital for Sick Children
Classification: Pathogenic for Hereditary spastic paraplegia. Last evaluated: 2017-08-10. Review status: criteria provided, single submitter. Criteria: ACMG Guidelines, 2015. Collection method: clinical testing. Allele origin: germline. Affected: yes.

Genome-Nilou Lab
Classification: Pathogenic for Hereditary spastic paraplegia 11. Review status: criteria provided, single submitter. Criteria: ACMG Guidelines, 2015. Collection method: clinical testing. Allele origin: germline.

PreventionGenetics, part of Exact Sciences
Classification: Pathogenic for SPG11-related condition. Last evaluated: 2024-06-25. Review status: no assertion criteria provided. Collection method: clinical testing. Allele origin: germline. Not counted in ClinVar's aggregate classification.
Comment: The SPG11 c.2316+1G>A variant is predicted to disrupt the GT donor site and interfere with normal splicing. This variant has been reported in the homozygous and compound heterozygous states in several individuals with SPG11-related phenotypes (Stevanin. 2008. PubMed ID: 18079167; Sjaastad et al. 2018. PubMed ID: 29732542). This variant is reported in 0.0053% of alleles in individuals of European (Non-Finnish) descent in gnomAD. Variants that disrupt the consensus splice donor site in SPG11 are expected to be pathogenic. This variant is interpreted as pathogenic.

GeneReviews
No classification provided. Condition: Hereditary spastic paraplegia 11. Review status: no classification provided. Collection method: literature only. Allele origin: unknown. Not counted in ClinVar's aggregate classification.

Literature cited by the submitters: PubMed 18079167 (cited by 4 submitters); PubMed 18439221 (cited by Mayo Clinic Laboratories, Mayo Clinic and Labcorp Genetics (formerly Invitae), Labcorp); PubMed 29732542 (cited by 3 submitters); PubMed 16199547 (cited by Labcorp Genetics (formerly Invitae), Labcorp); PubMed 19105190 (cited by Labcorp Genetics (formerly Invitae), Labcorp); PubMed 20110243 (cited by Labcorp Genetics (formerly Invitae), Labcorp); PubMed 22154821 (cited by Labcorp Genetics (formerly Invitae), Labcorp); PubMed 26556829 (cited by Labcorp Genetics (formerly Invitae), Labcorp); PubMed 25525159 (cited by Athena Diagnostics); PubMed 27900367 (cited by Athena Diagnostics); PubMed 20301389 (cited by GeneReviews); NCBI Bookshelf NBK1210 (cited by GeneReviews).

NM_025137.4(SPG11):c.2316+1G>A

Gene: SPG11 (SPG11 vesicle trafficking associated, spatacsin; minus strand). Cytogenetic location: 15q21.1.
Variant type: single nucleotide variant.
Coding change: c.2316+1G>A on transcript NM_025137.4 (MANE Select); the canonical splice donor site of the intron after coding-DNA position 2316, G replaced by A.
Molecular consequence: splice donor variant.
Genome position (GRCh38, 1-based): chr15:44,622,727, C>T on the plus strand (G>A on the coding strand, the complement: SPG11 is on the minus strand). VCF-style: chr15-44622727-C-T. GRCh37 (hg19) VCF-style: chr15-44914925-C-T.
Other names: c.2316+1G>A (NM_001411132.1, NM_001160227.2).
Identifiers: ClinVar variation 41288 (VCV000041288.33), dbSNP rs312262740, ClinGen allele CA344315.